The following is an entry in ClinVar:

ClinVar aggregate classification (germline): Uncertain significance (1 of 4 stars; one submission).

Conditions:
RASopathy. Also called: Noonan spectrum disorder; rasopathies. Identifiers: Orphanet 536391, MedGen C5555857, MONDO:0021060.

Submission:

Labcorp Genetics (formerly Invitae), Labcorp
Classification: Uncertain significance for RASopathy. Last evaluated: 2022-12-03. Review status: criteria provided, single submitter. Criteria: Invitae Variant Classification Sherloc (09022015). Collection method: clinical testing. Allele origin: germline.
Comment: In summary, the available evidence is currently insufficient to determine the role of this variant in disease. Therefore, it has been classified as a Variant of Uncertain Significance. Algorithms developed to predict the effect of missense changes on protein structure and function (SIFT, PolyPhen-2, Align-GVGD) all suggest that this variant is likely to be tolerated. This variant has not been reported in the literature in individuals affected with SOS1-related conditions. This variant is not present in population databases (gnomAD no frequency). This sequence change replaces isoleucine, which is neutral and non-polar, with valine, which is neutral and non-polar, at codon 419 of the SOS1 protein (p.Ile419Val).

NM_005633.4(SOS1):c.1255A>G (p.Ile419Val)

Gene: SOS1 (SOS Ras/Rac guanine nucleotide exchange factor 1; minus strand). Cytogenetic location: 2p22.1.
Variant type: single nucleotide variant.
Coding change: c.1255A>G on transcript NM_005633.4 (MANE Select); coding-DNA position 1255, A replaced by G.
Protein change: p.Ile419Val; replaces isoleucine 419 with valine.
Molecular consequence: missense variant.
Genome position (GRCh38, 1-based): chr2:39,023,173, T>C on the plus strand (A>G on the coding strand, the complement: SOS1 is on the minus strand). VCF-style: chr2-39023173-T-C. GRCh37 (hg19) VCF-style: chr2-39250314-T-C.
Other names: c.1234A>G, p.Ile412Val (NM_001382394.1); c.1255A>G, p.Ile419Val (NM_001382395.1); short protein forms I419V, I412V.
Identifiers: ClinVar variation 2818180 (VCV002818180.3), dbSNP rs1669851885, ClinGen allele CA346366595.